The following is an entry in ClinVar:

NM_015057.5(MYCBP2):c.11118G>T (p.Leu3706Phe)

Genes: MYCBP2 (MYC binding protein 2; minus strand), MYCBP2-AS1 (MYCBP2 antisense RNA 1; plus strand). Cytogenetic location: 13q22.3.
Variant type: single nucleotide variant.
Coding change: c.11118G>T on transcript NM_015057.5 (MANE Select); coding-DNA position 11118, G replaced by T.
Protein change: p.Leu3706Phe; replaces leucine 3706 with phenylalanine.
Molecular consequence: missense variant.
Genome position (GRCh38, 1-based): chr13:77,081,912, C>A on the plus strand (G>T on the coding strand, the complement: MYCBP2 is on the minus strand). VCF-style: chr13-77081912-C-A. GRCh37 (hg19) VCF-style: chr13-77656047-C-A.
Other names: short protein forms L3706F.
Identifiers: ClinVar variation 3347809 (VCV003347809.1).

ClinVar aggregate classification (germline): Uncertain significance (0 of 4 stars; one submission).

Conditions:
MYCBP2-related disorder. Also called: MYCBP2-related condition.

Submission:

PreventionGenetics, part of Exact Sciences
Classification: Uncertain significance for MYCBP2-related condition. Last evaluated: 2024-05-31. Review status: no assertion criteria provided. Collection method: clinical testing. Allele origin: germline.
Comment: The MYCBP2 c.11118G>T variant is predicted to result in the amino acid substitution p.Leu3706Phe. To our knowledge, this variant has not been reported in the literature or in a large population database, indicating this variant is rare. At this time, the clinical significance of this variant is uncertain due to the absence of conclusive functional and genetic evidence.